The following is an entry in ClinVar:

ClinVar aggregate classification (germline): Uncertain significance (1 of 4 stars; one submission).

Conditions:
Leigh syndrome (NULS). Also called: Leigh's necrotizing encephalopathy; Leigh's disease; Leigh's syndrome; LEIGH SYNDROME, NUCLEAR; Leigh Syndrome (mtDNA deletion); Leigh Disease. Identifiers: Orphanet 506, MedGen C2931891, MONDO:0009723, OMIM 256000.

Submission:

Wong Mito Lab, Molecular and Human Genetics, Baylor College of Medicine
Classification: Uncertain significance for Leigh syndrome. Last evaluated: 2019-10-17. Review status: criteria provided, single submitter. Criteria: Modified ACMG Guidelines (Unpublished). Collection method: clinical testing. Allele origin: germline.
Comment: The NC_012920.1:m.15785T>C (YP_003024038.1:p.Phe347Leu) variant in MTCYB gene is interpretated to be a Uncertain Significance variant based on the modified ACMG guidelines (unpublished). This variant meets the following evidence codes: PP7

NC_012920.1(MT-CYB):m.15785T>C

Gene: MT-CYB (mitochondrially encoded cytochrome b; plus strand).
Variant type: single nucleotide variant.
Genome position: chrM-15785-T-C.
Identifiers: ClinVar variation 693952 (VCV000693952.1), dbSNP rs879052837, ClinGen allele CA337100529.
Genomic context (GRCh38, chrMT:15,785, plus strand): 5'-CTCCTAGCCGCAGACCTCCTCATTCTAACCTGAATCGGAGGACAACCAGTAAGCTACCCT[T>C]TTACCATCATTGGACAAGTAGCATCCGTACTATACTTCACAACAATCCTAATCCTAATAC-3'